The following is an entry in ClinVar:

NM_001199267.2(DGKZ):c.2117C>T (p.Pro706Leu)

Gene: DGKZ (diacylglycerol kinase zeta; plus strand). Cytogenetic location: 11p11.2.
Variant type: single nucleotide variant.
Coding change: c.2117C>T on transcript NM_001199267.2 (MANE Select); coding-DNA position 2117, C replaced by T.
Protein change: p.Pro706Leu; replaces proline 706 with leucine.
Molecular consequence: missense variant.
Genome position (GRCh38, 1-based): chr11:46,376,356, C>T. VCF-style: chr11-46376356-C-T. GRCh37 (hg19) VCF-style: chr11-46397906-C-T.
Other names: c.2684C>T, p.Pro895Leu (NM_001105540.2); c.2120C>T, p.Pro707Leu (NM_001199266.2, NM_003646.4); c.2051C>T, p.Pro684Leu (NM_001199268.2); c.2168C>T, p.Pro723Leu (NM_201532.3); c.2132C>T, p.Pro711Leu (NM_201533.3); short protein forms P684L, P707L, P711L, P895L, P706L, P723L.
Identifiers: ClinVar variation 4775307 (VCV004775307.1).

ClinVar aggregate classification (germline): Uncertain significance (1 of 4 stars; one submission).

gnomAD v4.1: 21 of 1,614,088 alleles (0.0013%); highest among the groups gnomAD compares: South Asian, 0.0055%; no homozygotes.

Submission:

Labcorp Genetics (formerly Invitae), Labcorp
Classification: Uncertain significance. Last evaluated: 2025-04-12. Review status: criteria provided, single submitter. Criteria: Invitae Variant Classification Sherloc (09022015). Collection method: clinical testing. Allele origin: germline.
Comment: This sequence change replaces proline, which is neutral and non-polar, with leucine, which is neutral and non-polar, at codon 895 of the DGKZ protein (p.Pro895Leu). This variant is present in population databases (rs574028116, gnomAD 0.006%). This variant has not been reported in the literature in individuals affected with DGKZ-related conditions. An algorithm developed to predict the effect of missense changes on protein structure and function outputs the following: PolyPhen-2: "Benign". The leucine amino acid residue is found in multiple mammalian species, which suggests that this missense change does not adversely affect protein function. In summary, the available evidence is currently insufficient to determine the role of this variant in disease. Therefore, it has been classified as a Variant of Uncertain Significance.